The following is an entry in ClinVar:

ClinVar aggregate classification (germline): Uncertain significance (1 of 4 stars; one submission).

Conditions:
Marfan syndrome (MFS). Also called: MARFAN SYNDROME, TYPE I; Marfan syndrome type 1; Marfan's syndrome; FBN1-Related Marfan Syndrome; Marfan syndrome, classic. Identifiers: Orphanet 284963, Orphanet 558, MedGen C0024796, MONDO:0007947, OMIM 154700.

gnomAD v4.1: 1 of 1,613,512 alleles (0.000062%); highest among the groups gnomAD compares: Non-Finnish European, 0.000085%; no homozygotes.

Submission:

All of Us Research Program, National Institutes of Health
Classification: Uncertain significance for Marfan syndrome. Last evaluated: 2024-05-14. Review status: criteria provided, single submitter. Criteria: ACMG Guidelines, 2015. Collection method: clinical testing. Allele origin: germline. Inheritance: Autosomal dominant inheritance. Observed: 1 variant allele, 1 heterozygote.
Comment: This missense variant replaces proline with arginine at codon 69 of the FBN1 protein. Computational prediction tools indicate that this variant's impact on protein structure and function is inconclusive. To our knowledge, functional studies have not been reported for this variant. This variant has not been reported in individuals affected with FBN1-related disorders in the literature. This variant has not been identified in the general population by the Genome Aggregation Database (gnomAD). The available evidence is insufficient to determine the role of this variant in disease conclusively. Therefore, this variant is classified as a Variant of Uncertain Significance.

This study involves interpretation of variants in research participants for the purpose of population health screening. Participant phenotype was not available at the time of variant classification. Additional details can be found in publication PMID: 35346344, PMCID: PMC8962531

NM_000138.5(FBN1):c.206C>G (p.Pro69Arg)

Gene: FBN1 (fibrillin 1; minus strand). Cytogenetic location: 15q21.1.
Variant type: single nucleotide variant.
Coding change: c.206C>G on transcript NM_000138.5 (MANE Select); coding-DNA position 206, C replaced by G.
Protein change: p.Pro69Arg; replaces proline 69 with arginine.
Molecular consequence: missense variant.
Genome position (GRCh38, 1-based): chr15:48,613,051, G>C on the plus strand (C>G on the coding strand, the complement: FBN1 is on the minus strand). VCF-style: chr15-48613051-G-C. GRCh37 (hg19) VCF-style: chr15-48905248-G-C.
Other names: c.206C>G, p.Pro69Arg (NM_001406716.1, NM_001406717.1); short protein forms P69R.
Identifiers: ClinVar variation 3386869 (VCV003386869.1).
Genomic context (GRCh38, chr15:48,613,051, plus strand): 5'-AAGTTTTCTATTTACTTACGGACAATACACTGATTTCCGCCAGGTAAGGTTTTCCATCCA[G>C]GGCAACAGTAAGCATTATAACGTGATCCACAGACATTGGGTCTAAAACAAAAACAGAAGA-3'
Protein context (NP_000129.3, residues 59-79): CGSRYNAYCC[Pro69Arg]GWKTLPGGNQ